The following is an entry in ClinVar:

ClinVar aggregate classification (germline): Uncertain significance (1 of 4 stars; one submission).

Submission:

GeneDx
Classification: Uncertain significance. Last evaluated: 2021-03-30. Review status: criteria provided, single submitter. Criteria: GeneDx Variant Classification Process June 2021. Collection method: clinical testing. Allele origin: germline. Affected: yes.
Comment: Not observed in large population cohorts (Lek et al., 2016); Normal stop codon changed to a Serine codon, leading to the addition of 1 amino acid at the C-terminus; Has not been previously published as pathogenic or benign to our knowledge

NM_133433.4(NIPBL):c.8414A>C (p.Ter2805Ser)

Gene: NIPBL (NIPBL cohesin loading factor; plus strand). Cytogenetic location: 5p13.2.
Variant type: single nucleotide variant.
Coding change: c.8414A>C on transcript NM_133433.4 (MANE Select); coding-DNA position 8414, A replaced by C.
Protein change: p.Ter2805Ser.
Molecular consequence: stop lost. On other transcripts: 3 prime UTR variant (1).
Genome position (GRCh38, 1-based): chr5:37,064,891, A>C. VCF-style: chr5-37064891-A-C. GRCh37 (hg19) VCF-style: chr5-37064993-A-C.
Other names: c.*868A>C (NM_015384.5).
Identifiers: ClinVar variation 1302388 (VCV001302388.2), dbSNP rs778876578, ClinGen allele CA359523986.
Genomic context (GRCh38, chr5:37,064,891, plus strand): 5'-CTAATAAAGTTGTTCAGACTTTACGATCCCTGTATGCCGCCAAGGATGGGACTTCCAGCT[A>C]ATGAATTTGTACATGCAGCCAAATTTACAGGAATTTTTTTAAAAGGCAGAAAAACTTGAA-3'